The following is an entry in ClinVar:

NM_152564.5(VPS13B):c.11392+8G>A

Gene: VPS13B (vacuolar protein sorting 13 homolog B; plus strand). Cytogenetic location: 8q22.2.
Variant type: single nucleotide variant.
Coding change: c.11392+8G>A on transcript NM_152564.5 (MANE Select); 8 bases into the intron after coding-DNA position 11392, G replaced by A.
Molecular consequence: intron variant.
Genome position (GRCh38, 1-based): chr8:99,868,473, G>A. VCF-style: chr8-99868473-G-A. GRCh37 (hg19) VCF-style: chr8-100880701-G-A.
Other names: p.?; c.11467+8G>A (NM_017890.5); c.11392+8G>A (NM_152564.4).
Identifiers: ClinVar variation 705665 (VCV000705665.22), dbSNP rs147921058, ClinGen allele CA4825219.

ClinVar aggregate classification (germline): Benign/Likely benign. Review status: criteria provided, multiple submitters, no conflicts (2 of 4 stars). 9 submissions from 9 submitters: Benign (2); Likely benign (2). 5 of the submissions do not count toward it. Last evaluated 2026-02-01.

Conditions:
VPS13B-related disorder. Also called: VPS13B-related condition.
Cohen syndrome (COH1). Also called: Cutis verticis gyrata, retinitis pigmentosa, and sensorineural deafness; PEPPER SYNDROME. Identifiers: Orphanet 193, MedGen C0265223, MONDO:0008999, OMIM 216550.

Allele frequency attached by ClinVar (database versions not stated): gnomAD exomes 0.00060 and 0.00023; ExAC 0.00102; ESP Exome Variant Server 0.00177; 1000 Genomes Project 0.00220; gnomAD 0.00228 and 0.00242; 1000 Genomes Project 30x 0.00234; TOPMed 0.00265.
gnomAD v4.1: 695 of 1,605,472 alleles (0.043%); highest among the groups gnomAD compares: African/African-American, 0.79%; 2 homozygotes.

Submissions (10):

Labcorp Genetics (formerly Invitae), Labcorp
Classification: Benign for Cohen syndrome. Last evaluated: 2026-02-01. Review status: criteria provided, single submitter. Criteria: Invitae Variant Classification Sherloc (09022015). Collection method: clinical testing. Allele origin: germline.

Women's Health and Genetics/Laboratory Corporation of America, LabCorp
Classification: Likely benign. Last evaluated: 2026-01-23. Review status: criteria provided, single submitter. Criteria: LabCorp Variant Classification Summary - May 2015. Collection method: clinical testing. Allele origin: germline.

Mayo Clinic Laboratories, Mayo Clinic
Classification: Benign. Last evaluated: 2024-06-25. Review status: criteria provided, single submitter. Criteria: ACMG Guidelines, 2015. Collection method: clinical testing. Allele origin: germline. Observed: 7 variant alleles.
Comment: BS1, BS2, BP1, BP4, BP7

Blueprint Genetics
Classification: Likely benign. Last evaluated: 2024-03-05. Review status: criteria provided, single submitter. Criteria: ACMG Guidelines, 2015. Collection method: clinical testing. Allele origin: germline.

PreventionGenetics, part of Exact Sciences
Classification: Benign for VPS13B-related condition. Last evaluated: 2021-10-19. Review status: no assertion criteria provided. Collection method: clinical testing. Allele origin: germline. Not counted in ClinVar's aggregate classification.
Comment: This variant is classified as benign based on ACMG/AMP sequence variant interpretation guidelines (Richards et al. 2015 PMID: 25741868, with internal and published modifications).

Natera, Inc.
Classification: Benign for Cohen syndrome. Last evaluated: 2020-09-16. Review status: no assertion criteria provided. Collection method: clinical testing. Allele origin: germline. Not counted in ClinVar's aggregate classification.

Clinical Genetics DNA and cytogenetics Diagnostics Lab, Erasmus MC, Erasmus Medical Center
Classification: Likely benign. Review status: no assertion criteria provided. Collection method: clinical testing. Allele origin: germline. Affected: yes. Study: VKGL Data-share Consensus. Not counted in ClinVar's aggregate classification.

Clinical Genetics, Academic Medical Center
Classification: Likely benign. Review status: no assertion criteria provided. Collection method: clinical testing. Allele origin: germline. Affected: yes. Study: VKGL Data-share Consensus. Not counted in ClinVar's aggregate classification.

Dr. Peter K. Rogan Lab, Western University
No classification provided (evidence only). Condition: Familial cancer of breast. Review status: no classification provided. Collection method: in vitro. Allele origin: not applicable. Functional consequence: skipped exon. Not counted in ClinVar's aggregate classification.

Genome Diagnostics Laboratory, University Medical Center Utrecht
Classification: Likely benign. Review status: no assertion criteria provided. Collection method: clinical testing. Allele origin: germline. Affected: yes. Study: VKGL Data-share Consensus. Not counted in ClinVar's aggregate classification.